The following is an entry in ClinVar:

NM_001369.3(DNAH5):c.6611del (p.Ser2203_Leu2204insTer)

Gene: DNAH5 (dynein axonemal heavy chain 5; minus strand). Cytogenetic location: 5p15.2.
Variant type: Deletion.
Coding change: c.6611del on transcript NM_001369.3 (MANE Select); coding-DNA position 6611, one base deleted (T; older notation c.6611delT).
Protein change: p.Ser2203_Leu2204insTer.
Molecular consequence: nonsense.
Genome position (GRCh38, 1-based): chr5:13,823,339, A deleted on the plus strand (T on the coding strand, the reverse complement: DNAH5 is on the minus strand); the first of 3 consecutive A bases (chr5:13,823,339-13,823,341); deleting any one gives the same sequence. VCF-style (leftmost placement, unchanged base first): chr5-13823338-CA-C. GRCh37 (hg19) VCF-style: chr5-13823447-CA-C.
Other names: c.6611delT (NM_001369.2).
Identifiers: ClinVar variation 2005625 (VCV002005625.5), dbSNP rs2546853775, ClinGen allele CA2580072176.

ClinVar aggregate classification (germline): Pathogenic/Likely pathogenic. Review status: criteria provided, multiple submitters, no conflicts (2 of 4 stars). 2 submissions from 2 submitters: Pathogenic (1); Likely pathogenic (1). Last evaluated 2024-10-24.

Conditions:
Primary ciliary dyskinesia. Also called: Ciliary dyskinesia. Identifiers: Orphanet 244, MedGen C0008780, MONDO:0016575, HP:0012265.

Submissions (2):

Natera, Inc.
Classification: Likely pathogenic for Primary ciliary dyskinesia. Last evaluated: 2024-10-24. Review status: criteria provided, single submitter. Criteria: Natera Variant Classification Schema (03/2026). Collection method: clinical testing. Allele origin: germline.
Comment: The c.6611delT variant in DNAH5 is a frameshift variant predicted to shift the reading frame and introduce a stop codon. This variant is expected to result in nonsense mediated decay, truncation, or a dysfunctional protein product. This variant is rare in the general population with a frequency below the threshold expected for the associated phenotype(s). Given the available evidence, this variant is classified as Likely Pathogenic.

Labcorp Genetics (formerly Invitae), Labcorp
Classification: Pathogenic for Primary ciliary dyskinesia. Last evaluated: 2022-06-13. Review status: criteria provided, single submitter. Criteria: Invitae Variant Classification Sherloc (09022015). Collection method: clinical testing. Allele origin: germline.
Comment: This variant is not present in population databases (gnomAD no frequency). This sequence change creates a premature translational stop signal (p.Leu2204*) in the DNAH5 gene. It is expected to result in an absent or disrupted protein product. Loss-of-function variants in DNAH5 are known to be pathogenic (PMID: 11788826, 16627867). This variant has not been reported in the literature in individuals affected with DNAH5-related conditions. For these reasons, this variant has been classified as Pathogenic.

Literature cited by the submitters: PubMed 11788826 (cited by Labcorp Genetics (formerly Invitae), Labcorp); PubMed 16627867 (cited by Labcorp Genetics (formerly Invitae), Labcorp).